The following is an entry in ClinVar:

ClinVar aggregate classification (germline): Conflicting classifications of pathogenicity. Review status: criteria provided, conflicting classifications (1 of 4 stars). 2 submissions from 2 submitters: Uncertain significance (1); Likely benign (1). Last evaluated 2025-12-15.

Conditions:
Charcot-Marie-Tooth disease axonal type 2C (HMSN2C). Also called: Charcot-Marie-Tooth Disease Type 2, TRPV4-Related (CMT2C); CHARCOT-MARIE-TOOTH DISEASE, AXONAL, AUTOSOMAL DOMINANT, TYPE 2C; Charcot-Marie-Tooth Neuropathy Type 2C. Identifiers: Orphanet 99937, MedGen C1853710, MONDO:0011633, OMIM 606071.

Submissions (2):

Labcorp Genetics (formerly Invitae), Labcorp
Classification: Uncertain significance for Charcot-Marie-Tooth disease axonal type 2C. Last evaluated: 2025-12-15. Review status: criteria provided, single submitter. Criteria: Invitae Variant Classification Sherloc (09022015). Collection method: clinical testing. Allele origin: germline.
Comment: This variant, c.1675_1698del, results in the deletion of 8 amino acid(s) of the TRPV4 protein (p.Leu559_Leu566del), but otherwise preserves the integrity of the reading frame. This variant is not present in population databases (gnomAD no frequency). This variant has not been reported in the literature in individuals affected with TRPV4-related conditions. ClinVar contains an entry for this variant (Variation ID: 1446570). Experimental studies and prediction algorithms are not available or were not evaluated, and the functional significance of this variant is currently unknown. In summary, the available evidence is currently insufficient to determine the role of this variant in disease. Therefore, it has been classified as a Variant of Uncertain Significance.

Mendelics
Classification: Likely benign. Last evaluated: 2022-05-04. Review status: criteria provided, single submitter. Criteria: Mendelics Assertion Criteria 2019. Collection method: clinical testing. Allele origin: germline.

NM_021625.5(TRPV4):c.1675_1698del (p.Leu559_Leu566del)

Gene: TRPV4 (transient receptor potential cation channel subfamily V member 4; minus strand). Cytogenetic location: 12q24.11.
Variant type: Deletion.
Coding change: c.1675_1698del on transcript NM_021625.5 (MANE Select); coding-DNA positions 1675 to 1698, 24 bases deleted (CTGGTGATCGTCTCAGCAGCCCTC).
Protein change: p.Leu559_Leu566del.
Molecular consequence: inframe indel (on NM_001177428.2).
Genome position (GRCh38, 1-based): chr12:109,792,778-109,792,801, GAGGGCTGCTGAGACGATCACCAG deleted on the plus strand (CTGGTGATCGTCTCAGCAGCCCTC on the coding strand, the reverse complement: TRPV4 is on the minus strand); deleting any 24 consecutive bases within chr12:109,792,778-109,792,803 gives the same sequence; the c. name uses the placement nearest the transcript's 3' end. VCF-style (leftmost placement, unchanged base first): chr12-109792777-AGAGGGCTGCTGAGACGATCACCAG-A. GRCh37 (hg19) VCF-style: chr12-110230582-AGAGGGCTGCTGAGACGATCACCAG-A.
Other names: c.1532_1555del24, p.Leu512_Leu519del (NM_001177428.2); c.1571_1594del24, p.Leu525_Leu532del (NM_001177431.2); c.1352_1375del24, p.Leu452_Leu459del (NM_001177433.2); c.1493_1516del24, p.Leu499_Leu506del (NM_147204.3).
Identifiers: ClinVar variation 1446570 (VCV001446570.7), dbSNP rs1890129676, ClinGen allele CA951718007.